The following is an entry in ClinVar:

ClinVar aggregate classification (germline): Uncertain significance (1 of 4 stars; one submission).

Conditions:
Nemaline myopathy 2 (NEM2). Also called: Nemaline myopathy 2, autosomal recessive. Identifiers: MedGen C1850569, MONDO:0009725, OMIM 256030.

gnomAD v4.1: 6 of 1,612,888 alleles (0.00037%); highest among the groups gnomAD compares: Non-Finnish European, 0.00051%; no homozygotes.

Submission:

Labcorp Genetics (formerly Invitae), Labcorp
Classification: Uncertain significance for Nemaline myopathy 2. Last evaluated: 2021-06-15. Review status: criteria provided, single submitter. Criteria: Invitae Variant Classification Sherloc (09022015). Collection method: clinical testing. Allele origin: germline.
Comment: This variant has not been reported in the literature in individuals with NEB-related conditions. This variant is not present in population databases (ExAC no frequency). This sequence change replaces proline with leucine at codon 7543 of the NEB protein (p.Pro7543Leu). The proline residue is weakly conserved and there is a moderate physicochemical difference between proline and leucine. In summary, the available evidence is currently insufficient to determine the role of this variant in disease. Therefore, it has been classified as a Variant of Uncertain Significance. Algorithms developed to predict the effect of missense changes on protein structure and function are either unavailable or do not agree on the potential impact of this missense change (SIFT: "Tolerated"; PolyPhen-2: "Not Available"; Align-GVGD: "Class C0").

NM_001164508.2(NEB):c.22523C>T (p.Pro7508Leu)

Genes: NEB (nebulin; minus strand), RIF1 (replication timing regulatory factor 1; plus strand). Cytogenetic location: 2q23.3.
Variant type: single nucleotide variant.
Coding change: c.22523C>T on transcript NM_001164508.2 (MANE Select); coding-DNA position 22523, C replaced by T.
Protein change: p.Pro7508Leu; replaces proline 7508 with leucine.
Molecular consequence: missense variant.
Genome position (GRCh38, 1-based): chr2:151,519,725, G>A on the plus strand (C>T on the coding strand, the complement: NEB is on the minus strand). VCF-style: chr2-151519725-G-A. GRCh37 (hg19) VCF-style: chr2-152376239-G-A.
Other names: c.22523C>T, p.Pro7508Leu (NM_001164507.2); c.22628C>T, p.Pro7543Leu (NM_001271208.2); c.17420C>T, p.Pro5807Leu (NM_004543.5); short protein forms P7543L, P7508L, P5807L.
Identifiers: ClinVar variation 1401079 (VCV001401079.8), dbSNP rs780741468, ClinGen allele CA348761987.
Genomic context (GRCh38, chr2:151,519,725, plus strand): 5'-GCAAGATTATTAGCATCTTTCATGACTTTGTAGAGCTGGCTGTCTTTTGGATTGTATTTT[G>A]GTGTCTTGCCCTTTTCTTTATCGAAATTTTCTCGGTATTTAACCTAACAGCAAATGCAAA-3'
Protein context (NP_001157980.2, residues 7498-7518): ENFDKEKGKT[Pro7508Leu]KYNPKDSQLY